The following is an entry in ClinVar:

NM_001429.4(EP300):c.6905C>T (p.Ser2302Phe)

Gene: EP300 (EP300 lysine acetyltransferase; plus strand). Cytogenetic location: 22q13.2.
Variant type: single nucleotide variant.
Coding change: c.6905C>T on transcript NM_001429.4 (MANE Select); coding-DNA position 6905, C replaced by T.
Protein change: p.Ser2302Phe; replaces serine 2302 with phenylalanine.
Molecular consequence: missense variant.
Genome position (GRCh38, 1-based): chr22:41,178,616, C>T. VCF-style: chr22-41178616-C-T. GRCh37 (hg19) VCF-style: chr22-41574620-C-T.
Other names: c.6827C>T, p.Ser2276Phe (NM_001362843.2); short protein forms S2302F, S2276F.
Identifiers: ClinVar variation 4992348 (VCV004992348.1).

ClinVar aggregate classification (germline): Uncertain significance (1 of 4 stars; one submission).

Conditions:
EP300-related disorder. Also called: EP300-related condition; EP300-related disorders.

Submission:

PreventionGenetics, part of Exact Sciences
Classification: Uncertain significance for EP300-related condition. Last evaluated: 2026-09-04. Review status: criteria provided, single submitter. Criteria: ACMG Guidelines, 2015. Collection method: clinical testing. Allele origin: germline.
Comment: The EP300 c.6905C>T variant is predicted to result in the amino acid substitution p.Ser2302Phe. To our knowledge, this variant has not been reported in the literature or in a large population database (gnomAD), indicating this variant is rare. At this time, the clinical significance of this variant is uncertain due to the absence of conclusive functional and genetic evidence.